The following is an entry in ClinVar:

ClinVar aggregate classification (germline): Pathogenic. Review status: criteria provided, multiple submitters, no conflicts (2 of 4 stars). 2 submissions from 2 submitters: Pathogenic (2). Last evaluated 2021-09-24.

Conditions:
Familial cancer of breast. Also called: hereditary breast carcinoma; Hereditary breast cancer; BREAST CANCER, FAMILIAL. Identifiers: Orphanet 227535, MedGen C0346153, MONDO:0016419, OMIM 114480. Disease mechanism: loss of function.
Hereditary cancer-predisposing syndrome. Also called: Hereditary Cancer Syndrome; Tumor predisposition; Hereditary neoplastic syndrome; Neoplastic Syndromes, Hereditary. Identifiers: Orphanet 140162, MedGen C0027672, MeSH D009386, MONDO:0015356.

Submissions (2):

Labcorp Genetics (formerly Invitae), Labcorp
Classification: Pathogenic for Familial cancer of breast. Last evaluated: 2021-09-24. Review status: criteria provided, single submitter. Criteria: Invitae Variant Classification Sherloc (09022015). Collection method: clinical testing. Allele origin: germline.
Comment: For these reasons, this variant has been classified as Pathogenic. This variant has not been reported in the literature in individuals affected with PALB2-related conditions. This variant is not present in population databases (ExAC no frequency). This sequence change creates a premature translational stop signal (p.Arg476Glufs*9) in the PALB2 gene. It is expected to result in an absent or disrupted protein product. Loss-of-function variants in PALB2 are known to be pathogenic (PMID: 17200668, 17200671, 17200672, 24136930, 25099575).

Ambry Genetics
Classification: Pathogenic for Hereditary cancer-predisposing syndrome. Last evaluated: 2020-01-24. Review status: criteria provided, single submitter. Criteria: Ambry Variant Classification Scheme 2023. Collection method: clinical testing. Allele origin: germline.
Comment: The c.1426delA pathogenic mutation, located in coding exon 4 of the PALB2 gene, results from a deletion of one nucleotide at nucleotide position 1426, causing a translational frameshift with a predicted alternate stop codon (p.R476Efs*9). This alteration is expected to result in loss of function by premature protein truncation or nonsense-mediated mRNA decay. As such, this alteration is interpreted as a disease-causing mutation.

Literature cited by the submitters: PubMed 17200668 (cited by Labcorp Genetics (formerly Invitae), Labcorp); PubMed 17200671 (cited by Labcorp Genetics (formerly Invitae), Labcorp); PubMed 17200672 (cited by Labcorp Genetics (formerly Invitae), Labcorp); PubMed 24136930 (cited by Labcorp Genetics (formerly Invitae), Labcorp); PubMed 25099575 (cited by Labcorp Genetics (formerly Invitae), Labcorp).

NM_024675.4(PALB2):c.1426del (p.Arg476fs)

Gene: PALB2 (partner and localizer of BRCA2; minus strand). Cytogenetic location: 16p12.2.
Variant type: Deletion.
Coding change: c.1426del on transcript NM_024675.4 (MANE Select); coding-DNA position 1426, one base deleted (A; older notation c.1426delA).
Protein change: p.Arg476fs; shifts the reading frame from arginine 476.
Molecular consequence: frameshift variant.
Genome position (GRCh38, 1-based): chr16:23,635,120, T deleted on the plus strand (A on the coding strand, the reverse complement: PALB2 is on the minus strand); the first of 2 consecutive T bases (chr16:23,635,120-23,635,121); deleting either gives the same sequence. VCF-style (leftmost placement, unchanged base first): chr16-23635119-CT-C. GRCh37 (hg19) VCF-style: chr16-23646440-CT-C.
Other names: short protein forms R476fs.
Identifiers: ClinVar variation 1411749 (VCV001411749.9), dbSNP rs1184981956, ClinGen allele CA719188628.